The following is an entry in ClinVar:

ClinVar aggregate classification (germline): Likely benign (1 of 4 stars; one submission).

gnomAD v4.1: 2 of 1,613,508 alleles (0.00012%); highest among the groups gnomAD compares: South Asian, 0.0011%; no homozygotes.

Submission:

CeGaT Center for Human Genetics Tuebingen
Classification: Likely benign. Last evaluated: 2026-03-01. Review status: criteria provided, single submitter. Criteria: CeGaT Center For Human Genetics Tuebingen Variant Classification Criteria Version 2. Collection method: clinical testing. Allele origin: germline. Affected: yes. Observed: 1 variant allele.
Comment: ZFHX4: BP4, BP7

NM_024721.5(ZFHX4):c.8451C>T (p.Asp2817=)

Gene: ZFHX4 (zinc finger homeobox 4; plus strand). Cytogenetic location: 8q21.13.
Variant type: single nucleotide variant.
Coding change: c.8451C>T on transcript NM_024721.5 (MANE Select); coding-DNA position 8451, C replaced by T.
Protein change: p.Asp2817=; no amino-acid change (aspartic acid 2817 retained).
Molecular consequence: synonymous variant.
Genome position (GRCh38, 1-based): chr8:76,855,372, C>T. VCF-style: chr8-76855372-C-T. GRCh37 (hg19) VCF-style: chr8-77767608-C-T.
Other names: c.8373C>T, p.Asp2791= (NM_001410934.1).
Identifiers: ClinVar variation 4823619 (VCV004823619.4).